The following is an entry in ClinVar:

NM_015559.3(SETBP1):c.4528G>C (p.Glu1510Gln)

Gene: SETBP1 (SET binding protein 1; plus strand). Cytogenetic location: 18q12.3.
Variant type: single nucleotide variant.
Coding change: c.4528G>C on transcript NM_015559.3 (MANE Select); coding-DNA position 4528, G replaced by C.
Protein change: p.Glu1510Gln; replaces glutamic acid 1510 with glutamine.
Molecular consequence: missense variant.
Genome position (GRCh38, 1-based): chr18:45,063,435, G>C. VCF-style: chr18-45063435-G-C. GRCh37 (hg19) VCF-style: chr18-42643400-G-C.
Other names: c.4528G>C, p.Glu1510Gln (NM_001379141.1, NM_001379142.1); c.4357G>C, p.Glu1453Gln (NM_001410862.1); short protein forms E1453Q, E1510Q.
Identifiers: ClinVar variation 3063998 (VCV003063998.1), dbSNP rs1299817894, ClinGen allele CA402483612.

ClinVar aggregate classification (germline): Uncertain significance (1 of 4 stars; one submission).

Allele frequency attached by ClinVar (database versions not stated): gnomAD exomes below 0.00001.
gnomAD v4.1: 5 of 1,502,488 alleles (0.00033%); highest among the groups gnomAD compares: Non-Finnish European, 0.00044%; no homozygotes.

Submission:

Women's Health and Genetics/Laboratory Corporation of America, LabCorp
Classification: Uncertain significance. Last evaluated: 2024-01-19. Review status: criteria provided, single submitter. Criteria: LabCorp Variant Classification Summary - May 2015. Collection method: clinical testing. Allele origin: germline.
Comment: Variant summary: SETBP1 c.4528G>C (p.Glu1510Gln) results in a conservative amino acid change in the encoded protein sequence. Three of five in-silico tools predict a benign effect of the variant on protein function. The frequency data for this variant in gnomAD is considered unreliable, as metrics indicate poor data quality at this position. To our knowledge, no occurrence of c.4528G>C in individuals affected with SETBP1-Related Disorders and no experimental evidence demonstrating its impact on protein function have been reported. No submitters have cited clinical-significance assessments for this variant to ClinVar. Based on the evidence outlined above, the variant was classified as uncertain significance.